The following is an entry in ClinVar:

NM_001963.6(EGF):c.3116_3117delinsAA (p.Cys1039Ter)

Gene: EGF (epidermal growth factor; plus strand). Cytogenetic location: 4q25.
Variant type: Indel.
Coding change: c.3116_3117delinsAA on transcript NM_001963.6 (MANE Select); coding-DNA positions 3116 to 3117, GC replaced by AA.
Protein change: p.Cys1039Ter; replaces cysteine 1039 with a stop codon.
Molecular consequence: nonsense.
Genome position (GRCh38, 1-based): chr4:109,999,789-109,999,790, GC replaced by AA. VCF-style: chr4-109999789-GC-AA. GRCh37 (hg19) VCF-style: chr4-110920945-GC-AA.
Other names: c.2993_2994delinsAA, p.Cys998Ter (NM_001178130.3); c.2990_2991delinsAA, p.Cys997Ter (NM_001178131.3); c.2747_2748delinsAA, p.Cys916Ter (NM_001357021.2); short protein forms C1039*, C916*, C997*, C998*.
Identifiers: ClinVar variation 426771 (VCV000426771.2), dbSNP rs1085307789, ClinGen allele CA645293864.

ClinVar aggregate classification (germline): Uncertain significance (1 of 4 stars; one submission).

Submission:

GeneDx
Classification: Uncertain significance. Last evaluated: 2017-04-05. Review status: criteria provided, single submitter. Criteria: GeneDx Variant Classification (06012015). Collection method: clinical testing. Allele origin: germline. Affected: yes.
Comment: The c.3116_3117delGCinsAA variant in the EGF gene has not been reported previously as a pathogenic variant nor as a benign variant, to our knowledge. The c.3116_3117delGCinsAA variant results in the replacement of the normal codon, Cysteine 1039, with a Stop codon, denoted p.C1039X. This variant is predicted to cause loss of normal protein function either through protein truncation or nonsense-mediated mRNA decay. The c.3116_3117delGCinsAA variant is not observed in large population cohorts (Lek et al., 2016; 1000 Genomes Consortium et al., 2015; Exome Variant Server). We interpret c.3116_3117delGCinsAA as a variant of uncertain significance.